The following is an entry in ClinVar:

NM_000821.7(GGCX):c.2208C>T (p.Pro736=)

Gene: GGCX (gamma-glutamyl carboxylase; minus strand). Cytogenetic location: 2p11.2.
Variant type: single nucleotide variant.
Coding change: c.2208C>T on transcript NM_000821.7 (MANE Select); coding-DNA position 2208, C replaced by T.
Protein change: p.Pro736=; no amino-acid change (proline 736 retained).
Molecular consequence: synonymous variant.
Genome position (GRCh38, 1-based): chr2:85,550,003, G>A on the plus strand (C>T on the coding strand, the complement: GGCX is on the minus strand). VCF-style: chr2-85550003-G-A. GRCh37 (hg19) VCF-style: chr2-85777126-G-A.
Other names: c.2037C>T, p.Pro679= (NM_001142269.4).
Identifiers: ClinVar variation 2072416 (VCV002072416.29), dbSNP rs528677951, ClinGen allele CA1741607.

ClinVar aggregate classification (germline): Benign/Likely benign. Review status: criteria provided, multiple submitters, no conflicts (2 of 4 stars). 3 submissions from 3 submitters: Benign (1); Likely benign (2). Last evaluated 2025-12-25.

Allele frequency attached by ClinVar (database versions not stated): 1000 Genomes Project 30x 0.00016; ExAC 0.00018; 1000 Genomes Project 0.00020.
gnomAD v4.1: 179 of 1,612,878 alleles (0.011%); highest among the groups gnomAD compares: South Asian, 0.12%; 3 homozygotes.

Submissions (3):

Labcorp Genetics (formerly Invitae), Labcorp
Classification: Benign. Last evaluated: 2025-12-25. Review status: criteria provided, single submitter. Criteria: Invitae Variant Classification Sherloc (09022015). Collection method: clinical testing. Allele origin: germline.

CeGaT Center for Human Genetics Tuebingen
Classification: Likely benign. Last evaluated: 2025-07-01. Review status: criteria provided, single submitter. Criteria: CeGaT Center For Human Genetics Tuebingen Variant Classification Criteria Version 2. Collection method: clinical testing. Allele origin: germline. Affected: yes. Observed: 2 variant alleles.
Comment: GGCX: BP4, BP7

Blueprint Genetics
Classification: Likely benign. Last evaluated: 2024-05-13. Review status: criteria provided, single submitter. Criteria: ACMG Guidelines, 2015. Collection method: clinical testing. Allele origin: germline.